The following is an entry in ClinVar:

NM_001211.6(BUB1B):c.1481T>C (p.Leu494Pro)

Gene: BUB1B (BUB1 mitotic checkpoint serine/threonine kinase B; plus strand). Cytogenetic location: 15q15.1.
Variant type: single nucleotide variant.
Coding change: c.1481T>C on transcript NM_001211.6 (MANE Select); coding-DNA position 1481, T replaced by C.
Protein change: p.Leu494Pro; replaces leucine 494 with proline.
Molecular consequence: missense variant.
Genome position (GRCh38, 1-based): chr15:40,200,323, T>C. VCF-style: chr15-40200323-T-C. GRCh37 (hg19) VCF-style: chr15-40492524-T-C.
Other names: short protein forms L494P.
Identifiers: ClinVar variation 4082864 (VCV004082864.2).

ClinVar aggregate classification (germline): Uncertain significance (1 of 4 stars; one submission).

Submission:

GeneDx
Classification: Uncertain significance. Last evaluated: 2026-03-15. Review status: criteria provided, single submitter. Criteria: GeneDx Variant Classification Process June 2021. Collection method: clinical testing. Allele origin: germline.
Comment: Not observed at significant frequency in large population cohorts (gnomAD); In silico analysis indicates that this missense variant does not alter protein structure/function; Has not been previously published as pathogenic or benign to our knowledge